The following is an entry in ClinVar:

NM_001015048.3(BAG5):c.407_408del (p.His136fs)

Gene: BAG5 (BAG cochaperone 5; minus strand). Cytogenetic location: 14q32.33.
Variant type: Deletion.
Coding change: c.407_408del on transcript NM_001015048.3 (MANE Select); coding-DNA positions 407 to 408, 2 bases deleted (AT; older notation c.407_408delAT).
Protein change: p.His136fs; shifts the reading frame from histidine 136.
Molecular consequence: frameshift variant.
Genome position (GRCh38, 1-based): chr14:103,560,757-103,560,758, AT deleted on the plus strand (AT on the coding strand, the reverse complement: BAG5 is on the minus strand). VCF-style (leftmost placement, unchanged base first): chr14-103560756-CAT-C. GRCh37 (hg19) VCF-style: chr14-104027093-CAT-C.
Other names: c.407_408del, p.His136fs (NM_001015049.5, NM_004873.4); short protein forms H136fs.
Identifiers: ClinVar variation 3392557 (VCV003392557.1).
Genomic context (GRCh38, chr14:103,560,756, plus strand): 5'-AGATTTTGGTTAAAGTGTGATACCTTGCTTTCCGCAAGGAGATTTTTCCTCCAGTTTTAA[CAT>C]GTGTCAGCCTCAGAATGATATCTTGGATGCCTTCTTCAAACTCATCAGTTACGCAGTTGC-3'

ClinVar aggregate classification (germline): Likely pathogenic (1 of 4 stars; one submission).

Conditions:
Cardiomyopathy, dilated, 2F (CMD2F). Identifiers: MedGen C5676917, MONDO:0030680, OMIM 619747.

Submission:

MVZ Medizinische Genetik Mainz
Classification: Likely pathogenic for Cardiomyopathy, dilated, 2F. Last evaluated: 2024-11-27. Review status: criteria provided, single submitter. Criteria: UK Practice Guidelines For Variant Classification V4 01 2020. Collection method: clinical testing. Allele origin: germline. Inheritance: Autosomal recessive inheritance. Affected: yes. Observed: 1 variant allele.
Comment: ACMG Criteria: PVS1,PM2_SUP